The following is an entry in ClinVar:

NM_144997.7(FLCN):c.1367_1398del (p.Asp456fs)

Gene: FLCN (folliculin; minus strand). Cytogenetic location: 17p11.2.
Variant type: Deletion.
Coding change: c.1367_1398del on transcript NM_144997.7 (MANE Select); coding-DNA positions 1367 to 1398, 32 bases deleted.
Protein change: p.Asp456fs; shifts the reading frame from aspartic acid 456.
Molecular consequence: frameshift variant.
Genome position (GRCh38, 1-based): chr17:17,215,219-17,215,250, 32 bases deleted; deleting any 32 consecutive bases within chr17:17,215,219-17,215,251 gives the same sequence; the c. name uses the placement nearest the transcript's 3' end. GRCh37 (hg19): chr17:17,118,534-17,118,565.
Other names: c.1421_1452del, p.Asp474fs (NM_001353229.2); c.1367_1398del, p.Asp456fs (NM_001353230.2, NM_001353231.2); short protein forms D456fs, D474fs.
Identifiers: ClinVar variation 2681945 (VCV002681945.4), dbSNP rs2544145738, ClinGen allele CA2697559475.

ClinVar aggregate classification (germline): Pathogenic. Review status: criteria provided, multiple submitters, no conflicts (2 of 4 stars). 2 submissions from 2 submitters: Pathogenic (2). Last evaluated 2023-08-02.

Conditions:
Birt-Hogg-Dube syndrome. Also called: Birt Hogg Dubé syndrome. Identifiers: Orphanet 122, MedGen C0346010, MONDO:0800444.

Submissions (2):

Labcorp Genetics (formerly Invitae), Labcorp
Classification: Pathogenic for Birt-Hogg-Dube syndrome. Last evaluated: 2023-08-02. Review status: criteria provided, single submitter. Criteria: Invitae Variant Classification Sherloc (09022015). Collection method: clinical testing. Allele origin: germline.
Comment: For these reasons, this variant has been classified as Pathogenic. Algorithms developed to predict the effect of sequence changes on RNA splicing suggest that this variant may disrupt the consensus splice site. This premature translational stop signal has been observed in individual(s) with Birt-Hogg-Dubé syndrome (PMID: 25519458). This variant is not present in population databases (gnomAD no frequency). This sequence change creates a premature translational stop signal (p.Asp456Glyfs*19) in the FLCN gene. It is expected to result in an absent or disrupted protein product. Loss-of-function variants in FLCN are known to be pathogenic (PMID: 15852235).

Quest Diagnostics Nichols Institute San Juan Capistrano
Classification: Pathogenic. Last evaluated: 2023-07-18. Review status: criteria provided, single submitter. Criteria: Quest Diagnostics criteria. Collection method: clinical testing. Allele origin: unknown.
Comment: The FLCN c.1367_1398del (p.Asp456Glyfs*19) variant alters the translational reading frame of the FLCN mRNA and causes the premature termination of FLCN protein synthesis. This variant has been reported in the published literature in with Birt-Hogg-Dube (BHD) syndrome (PMID: 25519458 (2014)). This variant has not been reported in large, multi-ethnic general populations (Genome Aggregation Database). Based on the available information, this variant is classified as pathogenic.

Literature cited by the submitters: PubMed 25519458 (cited by Labcorp Genetics (formerly Invitae), Labcorp and Quest Diagnostics Nichols Institute San Juan Capistrano); PubMed 15852235 (cited by Labcorp Genetics (formerly Invitae), Labcorp).